The following is an entry in ClinVar:

ClinVar aggregate classification (germline): Uncertain significance (1 of 4 stars; one submission).

Submission:

GeneDx
Classification: Uncertain significance. Last evaluated: 2024-06-16. Review status: criteria provided, single submitter. Criteria: GeneDx Variant Classification Process June 2021. Collection method: clinical testing. Allele origin: germline. Affected: yes.
Comment: Not observed at significant frequency in large population cohorts (gnomAD); In silico analysis supports that this missense variant has a deleterious effect on protein structure/function; Has not been previously published as pathogenic or benign to our knowledge

NM_012062.5(DNM1L):c.1321A>G (p.Arg441Gly)

Gene: DNM1L (dynamin 1 like; plus strand). Cytogenetic location: 12p11.21.
Variant type: single nucleotide variant.
Coding change: c.1321A>G on transcript NM_012062.5 (MANE Select); coding-DNA position 1321, A replaced by G.
Protein change: p.Arg441Gly; replaces arginine 441 with glycine.
Molecular consequence: missense variant.
Genome position (GRCh38, 1-based): chr12:32,731,476, A>G. VCF-style: chr12-32731476-A-G. GRCh37 (hg19) VCF-style: chr12-32884410-A-G.
Other names: c.1321A>G, p.Arg441Gly (NM_001278463.2, NM_005690.5, NM_012063.4); c.1360A>G, p.Arg454Gly (NM_001278464.2, NM_001278465.2, NM_001330380.2); c.712A>G, p.Arg238Gly (NM_001278466.2); short protein forms R238G, R441G, R454G.
Identifiers: ClinVar variation 3390584 (VCV003390584.1).